The following is an entry in ClinVar:

ClinVar aggregate classification (germline): Uncertain significance (1 of 4 stars; one submission).

Conditions:
RPGRIP1L-related disorder. Also called: RPGRIP1L-related disorders; RPGRIP1L-related condition. Identifiers: MedGen CN239416.

gnomAD v4.1: 2 of 1,612,472 alleles (0.00012%); highest among the groups gnomAD compares: Middle Eastern, 0.018%; no homozygotes.

Submission:

PreventionGenetics, part of Exact Sciences
Classification: Uncertain significance for RPGRIP1L-related condition. Last evaluated: 2024-10-23. Review status: criteria provided, single submitter. Criteria: ACMG Guidelines, 2015. Collection method: clinical testing. Allele origin: germline.
Comment: The RPGRIP1L c.1025A>G variant is predicted to result in the amino acid substitution p.Glu342Gly. To our knowledge, this variant has not been reported in the literature or in a large population database, indicating this variant is rare. At this time, the clinical significance of this variant is uncertain due to the absence of conclusive functional and genetic evidence.

NM_015272.5(RPGRIP1L):c.1025A>G (p.Glu342Gly)

Gene: RPGRIP1L (RPGRIP1 like; minus strand). Cytogenetic location: 16q12.2.
Variant type: single nucleotide variant.
Coding change: c.1025A>G on transcript NM_015272.5 (MANE Select); coding-DNA position 1025, A replaced by G.
Protein change: p.Glu342Gly; replaces glutamic acid 342 with glycine.
Molecular consequence: missense variant.
Genome position (GRCh38, 1-based): chr16:53,672,874, T>C on the plus strand (A>G on the coding strand, the complement: RPGRIP1L is on the minus strand). VCF-style: chr16-53672874-T-C. GRCh37 (hg19) VCF-style: chr16-53706786-T-C.
Other names: c.1025A>G, p.Glu342Gly (NM_001127897.4, NM_001308334.3, NM_001330538.2); short protein forms E342G.
Identifiers: ClinVar variation 4987144 (VCV004987144.1).